The following is an entry in ClinVar:

NM_000218.3(KCNQ1):c.940G>T (p.Gly314Cys)

Gene: KCNQ1 (potassium voltage-gated channel subfamily Q member 1; plus strand). Cytogenetic location: 11p15.5.
Variant type: single nucleotide variant.
Coding change: c.940G>T on transcript NM_000218.3 (MANE Select); coding-DNA position 940, G replaced by T.
Protein change: p.Gly314Cys; replaces glycine 314 with cysteine.
Molecular consequence: missense variant.
Genome position (GRCh38, 1-based): chr11:2,583,453, G>T. VCF-style: chr11-2583453-G-T. GRCh37 (hg19) VCF-style: chr11-2604683-G-T.
Other names: c.940G>T (LRG_287t1); c.940G>T, p.Gly314Cys (NM_001406836.1); c.670G>T, p.Gly224Cys (NM_001406837.1); c.496G>T, p.Gly166Cys (NM_001406838.1); c.559G>T, p.Gly187Cys (NM_181798.2); short protein forms G314C, G187C, G166C, G224C.
Identifiers: ClinVar variation 53137 (VCV000053137.3), dbSNP rs120074184, ClinGen allele CA008786.
Genomic context (GRCh38, chr11:2,583,453, plus strand): 5'-TCCAGTCCCATCCGTGGCTGACCACTGTCCCTCTCCCTGCAGGTCACAGTCACCACCATC[G>T]GCTATGGGGACAAGGTGCCCCAGACGTGGGTCGGGAAGACCATCGCCTCCTGCTTCTCTG-3'
Protein context (NP_000209.2, residues 304-324): WWGVVTVTTI[Gly314Cys]YGDKVPQTWV

ClinVar aggregate classification (germline): not provided (0 of 4 stars; one submission).

Conditions:
Familial long QT syndrome (RWS). Also called: Congenital long QT syndrome; Romano-Ward syndrome; VENTRICULAR FIBRILLATION WITH PROLONGED QT INTERVAL. Identifiers: Orphanet 768, MedGen C1141890, MONDO:0019171.

Submission:

Cardiovascular Biomedical Research Unit, Royal Brompton & Harefield NHS Foundation Trust
No classification provided. Condition: Familial long QT syndrome. Review status: no classification provided. Collection method: literature only. Allele origin: germline.
Comment: This variant has been reported as associated with Long QT syndrome in the following publications (PMID:12702160;PMID:19716085). This is a literature report, and does not necessarily reflect the clinical interpretation of the Imperial College / Royal Brompton Cardiovascular Genetics laboratory.

Literature cited by the submitters: PubMed 12702160; PubMed 19716085; PubMed 22581653.